The following is an entry in ClinVar:

ClinVar aggregate classification (germline): Uncertain significance. Review status: criteria provided, multiple submitters, no conflicts (2 of 4 stars). 3 submissions from 3 submitters: Uncertain significance (3). Last evaluated 2025-10-30.

Conditions:
Neuropathy, hereditary sensory and autonomic, type 2A (HSAN2A). Also called: ACROOSTEOLYSIS, GIACCAI TYPE; ACROOSTEOLYSIS, NEUROGENIC; WNK1-Related HSAN2 (HSAN2A); HSAN IIA; MORVAN DISEASE; NEUROPATHY, CONGENITAL SENSORY. Identifiers: Orphanet 970, MedGen C2752089, MONDO:0024309, OMIM 201300.
Pseudohypoaldosteronism type 2C (PHA2C). Also called: Pseudohypoaldosteronism Type IIC. Identifiers: Orphanet 757, Orphanet 88940, MedGen C1840391, MONDO:0013778, OMIM 614492.
WNK1-related disorder. Also called: WNK1-related condition.

Allele frequency attached by ClinVar (database versions not stated): ExAC 0.00003; gnomAD 0.00003 and 0.00004; TOPMed 0.00003; gnomAD exomes 0.00004 and 0.00009; ESP Exome Variant Server 0.00008.
gnomAD v4.1: 136 of 1,614,084 alleles (0.0084%); highest among the groups gnomAD compares: Non-Finnish European, 0.011%; no homozygotes.

Submissions (3):

Women's Health and Genetics/Laboratory Corporation of America, LabCorp
Classification: Uncertain significance. Last evaluated: 2025-10-30. Review status: criteria provided, single submitter. Criteria: LabCorp Variant Classification Summary - May 2015. Collection method: clinical testing. Allele origin: germline.
Comment: Variant summary: WNK1 c.4336G>A (p.Ala1446Thr) results in a non-conservative amino acid change in the encoded protein sequence. Algorithms developed to predict the effect of missense changes on protein structure and function are either unavailable or do not agree on the potential impact of this missense change. The variant allele was found at a frequency of 4.4e-05 in 250890 control chromosomes. This frequency is not significantly higher than estimated for disease-causing variants in WNK1, allowing no conclusion about variant significance. To our knowledge, no occurrence of c.4336G>A in individuals affected with WNK1-related conditions and no experimental evidence demonstrating its impact on protein function have been reported. ClinVar contains an entry for this variant (Variation ID: 538517). Based on the evidence outlined above, the variant was classified as uncertain significance.

PreventionGenetics, part of Exact Sciences
Classification: Uncertain significance for WNK1-related condition. Last evaluated: 2025-03-24. Review status: criteria provided, single submitter. Criteria: ACMG Guidelines, 2015. Collection method: clinical testing. Allele origin: germline.
Comment: The WNK1 c.4336G>A variant is predicted to result in the amino acid substitution p.Ala1446Thr. To our knowledge, this variant has not been reported in the literature. This variant is reported in 0.0097% of alleles in individuals of European (non-Finnish) descent in gnomAD. At this time, the clinical significance of this variant is uncertain due to the absence of conclusive functional and genetic evidence.

Labcorp Genetics (formerly Invitae), Labcorp
Classification: Uncertain significance for Neuropathy, hereditary sensory and autonomic, type 2A; Pseudohypoaldosteronism type 2C. Last evaluated: 2023-04-09. Review status: criteria provided, single submitter. Criteria: Invitae Variant Classification Sherloc (09022015). Collection method: clinical testing. Allele origin: germline.
Comment: This variant has not been reported in the literature in individuals affected with WNK1-related conditions. This variant is present in population databases (rs376176091, gnomAD 0.01%). This sequence change replaces alanine, which is neutral and non-polar, with threonine, which is neutral and polar, at codon 1698 of the WNK1 protein (p.Ala1698Thr). ClinVar contains an entry for this variant (Variation ID: 538517). In summary, the available evidence is currently insufficient to determine the role of this variant in disease. Therefore, it has been classified as a Variant of Uncertain Significance. Advanced modeling of protein sequence and biophysical properties (such as structural, functional, and spatial information, amino acid conservation, physicochemical variation, residue mobility, and thermodynamic stability) performed at Invitae indicates that this missense variant is not expected to disrupt WNK1 protein function.

NM_018979.4(WNK1):c.4336G>A (p.Ala1446Thr)

Gene: WNK1 (WNK lysine deficient protein kinase 1; plus strand). Cytogenetic location: 12p13.33.
Variant type: single nucleotide variant.
Coding change: c.4336G>A on transcript NM_018979.4 (MANE Select); coding-DNA position 4336, G replaced by A.
Protein change: p.Ala1446Thr; replaces alanine 1446 with threonine.
Molecular consequence: missense variant.
Genome position (GRCh38, 1-based): chr12:885,140, G>A. VCF-style: chr12-885140-G-A. GRCh37 (hg19) VCF-style: chr12-994306-G-A.
Other names: c.5116G>A, p.Ala1706Thr (NM_001184985.2); c.3595G>A, p.Ala1199Thr (NM_014823.3); c.5092G>A, p.Ala1698Thr (NM_213655.5); short protein forms A1446T, A1698T, A1199T, A1706T.
Identifiers: ClinVar variation 538517 (VCV000538517.10), dbSNP rs376176091, ClinGen allele CA6382956.